The following is an entry in ClinVar:

ClinVar aggregate classification (germline): Uncertain significance (1 of 4 stars; one submission).

Allele frequency attached by ClinVar (database versions not stated): ESP Exome Variant Server 0.00008.
gnomAD v4.1: 43 of 1,581,664 alleles (0.0027%); highest among the groups gnomAD compares: South Asian, 0.0058%; no homozygotes.

Submission:

Labcorp Genetics (formerly Invitae), Labcorp
Classification: Uncertain significance. Last evaluated: 2025-11-03. Review status: criteria provided, single submitter. Criteria: Invitae Variant Classification Sherloc (09022015). Collection method: clinical testing. Allele origin: germline.
Comment: This sequence change replaces arginine, which is basic and polar, with glutamine, which is neutral and polar, at codon 866 of the ARHGEF1 protein (p.Arg866Gln). This variant is present in population databases (rs370594565, gnomAD 0.02%). This variant has not been reported in the literature in individuals affected with ARHGEF1-related conditions. ClinVar contains an entry for this variant (Variation ID: 1422339). An algorithm developed to predict the effect of missense changes on protein structure and function outputs the following: PolyPhen-2: "Benign". The glutamine amino acid residue is found in multiple mammalian species, which suggests that this missense change does not adversely affect protein function. In summary, the available evidence is currently insufficient to determine the role of this variant in disease. Therefore, it has been classified as a Variant of Uncertain Significance.

NM_004706.4(ARHGEF1):c.2552G>A (p.Arg851Gln)

Gene: ARHGEF1 (Rho guanine nucleotide exchange factor 1; plus strand). Cytogenetic location: 19q13.2.
Variant type: single nucleotide variant.
Coding change: c.2552G>A on transcript NM_004706.4 (MANE Select); coding-DNA position 2552, G replaced by A.
Protein change: p.Arg851Gln; replaces arginine 851 with glutamine.
Molecular consequence: missense variant.
Genome position (GRCh38, 1-based): chr19:41,906,517, G>A. VCF-style: chr19-41906517-G-A. GRCh37 (hg19) VCF-style: chr19-42410669-G-A.
Other names: c.2453G>A, p.Arg818Gln (NM_198977.2); c.2597G>A, p.Arg866Gln (NM_199002.2); short protein forms R851Q, R818Q, R866Q.
Identifiers: ClinVar variation 1422339 (VCV001422339.6), dbSNP rs370594565, ClinGen allele CA9466782.